The following is an entry in ClinVar:

NM_001374385.1(ATP8B1):c.3035G>T (p.Ser1012Ile)

Genes: ATP8B1 (ATPase phospholipid transporting 8B1; minus strand), ATP8B1-AS1 (ATP8B1 antisense RNA 1; plus strand). Cytogenetic location: 18q21.31.
Variant type: single nucleotide variant.
Coding change: c.3035G>T on transcript NM_001374385.1 (MANE Select); coding-DNA position 3035, G replaced by T.
Protein change: p.Ser1012Ile; replaces serine 1012 with isoleucine.
Molecular consequence: missense variant.
Genome position (GRCh38, 1-based): chr18:57,652,710, C>A on the plus strand (G>T on the coding strand, the complement: ATP8B1 is on the minus strand). VCF-style: chr18-57652710-C-A. GRCh37 (hg19) VCF-style: chr18-55319942-C-A.
Other names: c.2885G>T, p.Ser962Ile (NM_001374386.1); c.3035G>T, p.Ser1012Ile (NM_005603.6); short protein forms S1012I, S962I.
Identifiers: ClinVar variation 4846281 (VCV004846281.1).

ClinVar aggregate classification (germline): Uncertain significance (1 of 4 stars; one submission).

Conditions:
Familial intrahepatic cholestasis. Identifiers: Orphanet 284385, MedGen CN296401, MONDO:0017290.

Submission:

Genomenon, Inc
Classification: Uncertain significance for Familial intrahepatic cholestasis. Last evaluated: 2026-04-14. Review status: criteria provided, single submitter. Criteria: Genomenon Sequence Variant Interpretation Standards - Updated. Collection method: curation. Allele origin: germline. Affected: yes.
Comment: ATP8B1 p.Ser1012Ile (c.3035G>T) is a missense variant that changes the amino acid at residue 1012 from Serine to Isoleucine. This variant has been observed in at least one proband with features of ATP8B1-deficiency (PMID:23197899). A de novo occurrence of this variant has been observed in at least one affected individual (PMID:23197899). It is absent or not present at a significant frequency in gnomAD. In conclusion, we classify ATP8B1 p.Ser1012Ile (c.3035G>T) as a variant of uncertain significance.

Literature cited by the submitters: PubMed 23197899.